The following is an entry in ClinVar:

ClinVar aggregate classification (germline): Uncertain significance (1 of 4 stars; one submission).

gnomAD v4.1: 2 of 1,613,944 alleles (0.00012%); highest among the groups gnomAD compares: Admixed American, 0.0033%; no homozygotes.

Submission:

Labcorp Genetics (formerly Invitae), Labcorp
Classification: Uncertain significance. Last evaluated: 2022-07-02. Review status: criteria provided, single submitter. Criteria: Invitae Variant Classification Sherloc (09022015). Collection method: clinical testing. Allele origin: germline.
Comment: This sequence change replaces threonine, which is neutral and polar, with arginine, which is basic and polar, at codon 73 of the MECOM protein (p.Thr73Arg). In summary, the available evidence is currently insufficient to determine the role of this variant in disease. Therefore, it has been classified as a Variant of Uncertain Significance. Algorithms developed to predict the effect of missense changes on protein structure and function (SIFT, PolyPhen-2, Align-GVGD) all suggest that this variant is likely to be tolerated. This variant has not been reported in the literature in individuals affected with MECOM-related conditions. This variant is present in population databases (no rsID available, gnomAD 0.003%).

NM_004991.4(MECOM):c.782C>G (p.Thr261Arg)

Gene: MECOM (MDS1 and EVI1 complex locus; minus strand). Cytogenetic location: 3q26.2.
Variant type: single nucleotide variant.
Coding change: c.782C>G on transcript NM_004991.4 (MANE Select); coding-DNA position 782, C replaced by G.
Protein change: p.Thr261Arg; replaces threonine 261 with arginine.
Molecular consequence: missense variant.
Genome position (GRCh38, 1-based): chr3:169,127,892, G>C on the plus strand (C>G on the coding strand, the complement: MECOM is on the minus strand). VCF-style: chr3-169127892-G-C. GRCh37 (hg19) VCF-style: chr3-168845680-G-C.
Other names: c.410C>G, p.Thr137Arg (NM_001105077.4); c.218C>G, p.Thr73Arg (NM_001105078.4, NM_001163999.2, NM_001164000.2 and 9 more transcripts); c.782C>G, p.Thr261Arg (NM_001366466.2, NM_001366473.2); short protein forms T261R, T137R, T73R.
Identifiers: ClinVar variation 2042388 (VCV002042388.4), dbSNP rs146635720, ClinGen allele CA355069709.